The following is an entry in ClinVar:

ClinVar aggregate classification (germline): Uncertain significance (1 of 4 stars; one submission).

Allele frequency attached by ClinVar (database versions not stated): gnomAD exomes below 0.00001.

Submission:

Labcorp Genetics (formerly Invitae), Labcorp
Classification: Uncertain significance. Last evaluated: 2021-10-05. Review status: criteria provided, single submitter. Criteria: Invitae Variant Classification Sherloc (09022015). Collection method: clinical testing. Allele origin: germline.
Comment: This sequence change replaces tyrosine with histidine at codon 296 of the PNPT1 protein (p.Tyr296His). The tyrosine residue is highly conserved and there is a moderate physicochemical difference between tyrosine and histidine. This variant is not present in population databases (ExAC no frequency). This variant has not been reported in the literature in individuals affected with PNPT1-related conditions. Advanced modeling of protein sequence and biophysical properties (such as structural, functional, and spatial information, amino acid conservation, physicochemical variation, residue mobility, and thermodynamic stability) performed at Invitae indicates that this missense variant is not expected to disrupt PNPT1 protein function. In summary, the available evidence is currently insufficient to determine the role of this variant in disease. Therefore, it has been classified as a Variant of Uncertain Significance.

NM_033109.5(PNPT1):c.886T>C (p.Tyr296His)

Gene: PNPT1 (polyribonucleotide nucleotidyltransferase 1; minus strand). Cytogenetic location: 2p16.1.
Variant type: single nucleotide variant.
Coding change: c.886T>C on transcript NM_033109.5 (MANE Select); coding-DNA position 886, T replaced by C.
Protein change: p.Tyr296His; replaces tyrosine 296 with histidine.
Molecular consequence: missense variant.
Genome position (GRCh38, 1-based): chr2:55,672,027, A>G on the plus strand (T>C on the coding strand, the complement: PNPT1 is on the minus strand). VCF-style: chr2-55672027-A-G. GRCh37 (hg19) VCF-style: chr2-55899162-A-G.
Other names: short protein forms Y296H.
Identifiers: ClinVar variation 1465271 (VCV001465271.6), dbSNP rs1313775634, ClinGen allele CA346932305.
Genomic context (GRCh38, chr2:55,672,027, plus strand): 5'-ATGGAAGACAAAACTCAGGTATACCTACTTTGTCATGCTCGTAATCTGTAAAAACTGCAT[A>G]GAGTCTCTCCATAGCAAGTCTATTTAAGCAGAAAATAAATGTTAGCATAATAATATCTGG-3'
Protein context (NP_149100.2, residues 286-306): YTHKLAMERL[Tyr296His]AVFTDYEHDK